The following is an entry in ClinVar:

NM_032620.4(GTPBP3):c.930_931del (p.Val311fs)

Gene: GTPBP3 (GTP binding protein 3, mitochondrial; plus strand). Cytogenetic location: 19p13.11.
Variant type: Deletion.
Coding change: c.930_931del on transcript NM_032620.4 (MANE Select); coding-DNA positions 930 to 931, 2 bases deleted (CG; older notation c.930_931delCG).
Protein change: p.Val311fs; shifts the reading frame from valine 311.
Molecular consequence: frameshift variant.
Genome position (GRCh38, 1-based): chr19:17,339,555-17,339,556, CG deleted; deleting any 2 consecutive bases within chr19:17,339,554-17,339,556 gives the same sequence; the c. name uses the placement nearest the transcript's 3' end. VCF-style (leftmost placement, unchanged base first): chr19-17339553-GGC-G. GRCh37 (hg19) VCF-style: chr19-17450362-GGC-G.
Other names: c.930_931del, p.Val311fs (NM_001128855.3); c.996_997del, p.Val333fs (NM_001195422.1); c.1026_1027del, p.Val343fs (NM_133644.4); short protein forms V311fs, V343fs, V333fs.
Identifiers: ClinVar variation 3631718 (VCV003631718.2).

ClinVar aggregate classification (germline): Pathogenic (1 of 4 stars; one submission).

Submission:

Labcorp Genetics (formerly Invitae), Labcorp
Classification: Pathogenic. Last evaluated: 2024-09-09. Review status: criteria provided, single submitter. Criteria: Invitae Variant Classification Sherloc (09022015). Collection method: clinical testing. Allele origin: germline.
Comment: This sequence change creates a premature translational stop signal (p.Val343Glyfs*19) in the GTPBP3 gene. It is expected to result in an absent or disrupted protein product. Loss-of-function variants in GTPBP3 are known to be pathogenic (PMID: 25434004). This variant is not present in population databases (gnomAD no frequency). This variant has not been reported in the literature in individuals affected with GTPBP3-related conditions. Algorithms developed to predict the effect of sequence changes on RNA splicing suggest that this variant may disrupt the consensus splice site. For these reasons, this variant has been classified as Pathogenic.

Literature cited by the submitters: PubMed 25434004.